The following is an entry in ClinVar:

NM_023110.3(FGFR1):c.1711G>A (p.Glu571Lys)

Gene: FGFR1 (fibroblast growth factor receptor 1; minus strand). Cytogenetic location: 8p11.23.
Variant type: single nucleotide variant.
Coding change: c.1711G>A on transcript NM_023110.3 (MANE Select); coding-DNA position 1711, G replaced by A.
Protein change: p.Glu571Lys; replaces glutamic acid 571 with lysine.
Molecular consequence: missense variant.
Genome position (GRCh38, 1-based): chr8:38,416,013, C>T on the plus strand (G>A on the coding strand, the complement: FGFR1 is on the minus strand). VCF-style: chr8-38416013-C-T. GRCh37 (hg19) VCF-style: chr8-38273531-C-T.
Other names: c.1705G>A, p.Glu569Lys (NM_001174063.2, NM_001174065.2, NM_001354367.2 and 1 more transcripts); c.1681G>A, p.Glu561Lys (NM_001174064.2); c.1444G>A, p.Glu482Lys (NM_001174066.2, NM_023105.3); c.1804G>A, p.Glu602Lys (NM_001174067.2); c.1432G>A, p.Glu478Lys (NM_001354368.2); c.1699G>A, p.Glu567Lys (NM_001354369.2); c.1438G>A, p.Glu480Lys (NM_001354370.2, NM_023106.3); short protein forms E478K, E480K, E482K, E561K, E567K, E569K, E571K, E602K.
Identifiers: ClinVar variation 1344828 (VCV001344828.8), dbSNP rs771720144, ClinGen allele CA4718290.
Genomic context (GRCh38, chr8:38,416,013, plus strand): 5'-GGTTGTGGCTGGGGTTGTAGCAGTATTCCAGCCCTGGGGGCCTCCGGGCCTGCAGGTACT[C>T]CCGCAGGTTGCCCTTGGAGGCATACTCCACGATGACATACAAGGGACCTGCAGGCACAGG-3'
Protein context (NP_075598.2, residues 561-581): VEYASKGNLR[Glu571Lys]YLQARRPPGL

ClinVar aggregate classification (germline): Uncertain significance. Review status: criteria provided, multiple submitters, no conflicts (2 of 4 stars). 4 submissions from 4 submitters: Uncertain significance (3). 1 of the submissions does not count toward it. Last evaluated 2026-04-22.

Conditions:
Differences in sex development.
Pilomyxoid astrocytoma. Identifiers: Orphanet 251615, MedGen C1519086, MONDO:0016692.
Pfeiffer syndrome (ACS5). Also called: ACS V. Identifiers: Orphanet 710, MedGen C0220658, MONDO:0007043, OMIM 101600.
Hypogonadotropic hypogonadism 2 with or without anosmia (HH2). Also called: FGFR1-Related GnRH Deficiency (Kallmann Syndrome 2); HYPOGONADOTROPIC HYPOGONADISM 2 WITHOUT ANOSMIA; HYPOGONADOTROPIC HYPOGONADISM 2 WITH OR WITHOUT ANOSMIA, SUSCEPTIBILITY TO; HYPOGONADOTROPIC HYPOGONADISM 2 WITHOUT ANOSMIA, SUSCEPTIBILITY TO. Identifiers: Orphanet 478, MedGen C1563720, MONDO:0007844, OMIM 147950. Disease mechanism: loss of function.
Osteoglophonic dysplasia (OGD). Also called: Osteoglophonic dwarfism. Identifiers: Orphanet 2645, MedGen C0432283, MONDO:0008150, OMIM 166250.
Trigonocephaly 1 (TRIGNO1). Identifiers: Orphanet 3366, MedGen C0432122, MONDO:0008603, OMIM 190440.
Encephalocraniocutaneous lipomatosis (ECCL). Identifiers: Orphanet 2396, MedGen C0406612, MONDO:0013074, OMIM 613001.
Jackson-Weiss syndrome (JWS). Also called: CRANIOSYNOSTOSIS, MIDFACIAL HYPOPLASIA, AND FOOT ABNORMALITIES. Identifiers: Orphanet 1540, MedGen C0795998, MONDO:0007400, OMIM 123150. Disease mechanism: loss of function.
Hartsfield-Bixler-Demyer syndrome (HRTFDS). Also called: Hartsfield syndrome; FGFR1-Related Hartsfield Syndrome; Holoprosencephaly, ectrodactyly, and bilateral cleft lip/palate. Identifiers: Orphanet 2117, MedGen C1845146, MONDO:0014196, OMIM 615465. Disease mechanism: loss of function.

Allele frequency attached by ClinVar (database versions not stated): gnomAD exomes 0.00001; ExAC 0.00001; gnomAD 0.00001; TOPMed 0.00001.
gnomAD v4.1: 12 of 1,613,738 alleles (0.00074%); highest among the groups gnomAD compares: Non-Finnish European, 0.001%; no homozygotes.

Submissions (4):

NHS Central & South Genomic Laboratory Hub
Classification: Uncertain significance for Differences in sex development. Last evaluated: 2026-04-22. Review status: criteria provided, single submitter. Criteria: ACMG Guidelines, 2015. Collection method: clinical testing. Allele origin: germline. Affected: yes.

Labcorp Genetics (formerly Invitae), Labcorp
Classification: Uncertain significance for Pfeiffer syndrome; Hypogonadotropic hypogonadism 2 with or without anosmia. Last evaluated: 2025-08-18. Review status: criteria provided, single submitter. Criteria: Invitae Variant Classification Sherloc (09022015). Collection method: clinical testing. Allele origin: germline.
Comment: This sequence change replaces glutamic acid, which is acidic and polar, with lysine, which is basic and polar, at codon 571 of the FGFR1 protein (p.Glu571Lys). This variant is present in population databases (rs771720144, gnomAD 0.002%). This variant has not been reported in the literature in individuals affected with FGFR1-related conditions. ClinVar contains an entry for this variant (Variation ID: 1344828). Invitae Evidence Modeling of protein sequence and biophysical properties (such as structural, functional, and spatial information, amino acid conservation, physicochemical variation, residue mobility, and thermodynamic stability) indicates that this missense variant is expected to disrupt FGFR1 protein function with a positive predictive value of 80%. In summary, the available evidence is currently insufficient to determine the role of this variant in disease. Therefore, it has been classified as a Variant of Uncertain Significance.

Fulgent Genetics
Classification: Uncertain significance for Pfeiffer syndrome; Jackson-Weiss syndrome; Hypogonadotropic hypogonadism 2 with or without anosmia; Osteoglophonic dysplasia; Trigonocephaly 1; Encephalocraniocutaneous lipomatosis; Hartsfield-Bixler-Demyer syndrome. Last evaluated: 2022-03-08. Review status: criteria provided, single submitter. Criteria: ACMG Guidelines, 2015. Collection method: clinical testing. Allele origin: unknown.

Yale Center for Mendelian Genomics, Yale University
Classification: Uncertain significance for Pilomyxoid astrocytoma. Last evaluated: 2021-01-14. Review status: no assertion criteria provided. Collection method: literature only. Allele origin: somatic. Affected: yes. Observed: 1 heterozygote. Study: Yale Center for Mendelian Genomics. Not counted in ClinVar's aggregate classification.

Literature cited by the submitters: PubMed 33448156 (cited by Yale Center for Mendelian Genomics, Yale University).